The following is an entry in ClinVar:

ClinVar aggregate classification (germline): Pathogenic (1 of 4 stars; one submission).

Conditions:
Ataxia-telangiectasia syndrome (AT). Also called: ATAXIA-TELANGIECTASIA, COMPLEMENTATION GROUP A; ATAXIA-TELANGIECTASIA, FRESNO VARIANT; Ataxia-telangiectasia; LOUIS-BAR SYNDROME; Cerebello-oculocutaneous telangiectasia; Immunodeficiency with ataxia telangiectasia. Identifiers: Orphanet 100, MedGen C0004135, MONDO:0008840, OMIM 208900.

Submission:

Labcorp Genetics (formerly Invitae), Labcorp
Classification: Pathogenic for Ataxia-telangiectasia syndrome. Last evaluated: 2025-12-21. Review status: criteria provided, single submitter. Criteria: Invitae Variant Classification Sherloc (09022015). Collection method: clinical testing. Allele origin: germline.
Comment: This sequence change creates a premature translational stop signal (p.Thr1314Aspfs*7) in the ATM gene. It is expected to result in an absent or disrupted protein product. Loss-of-function variants in ATM are known to be pathogenic (PMID: 23807571, 25614872). This variant is not present in population databases (gnomAD no frequency). This variant has not been reported in the literature in individuals affected with ATM-related conditions. For these reasons, this variant has been classified as Pathogenic.

Literature cited by the submitters: PubMed 23807571; PubMed 25614872.

NM_000051.4(ATM):c.3938dup (p.Thr1314fs)

Gene: ATM (ATM serine/threonine kinase; plus strand). Cytogenetic location: 11q22.3.
Variant type: Duplication.
Coding change: c.3938dup on transcript NM_000051.4 (MANE Select); coding-DNA position 3938, one base duplicated (A; older notation c.3938dupA).
Protein change: p.Thr1314fs; shifts the reading frame from threonine 1314.
Molecular consequence: frameshift variant.
Genome position (GRCh38, 1-based): chr11:108,284,418, A duplicated. VCF-style (leftmost placement, unchanged base first): chr11-108284417-G-GA. GRCh37 (hg19) VCF-style: chr11-108155144-G-GA.
Other names: c.3938dup, p.Thr1314fs (NM_001351834.2); short protein forms T1314fs.
Identifiers: ClinVar variation 4727991 (VCV004727991.1).